The following is an entry in ClinVar:

ClinVar aggregate classification (germline): Uncertain significance (1 of 4 stars; one submission).

gnomAD v4.1: 4 of 1,610,416 alleles (0.00025%); highest among the groups gnomAD compares: African/African-American, 0.0027%; no homozygotes.

Submission:

Labcorp Genetics (formerly Invitae), Labcorp
Classification: Uncertain significance. Last evaluated: 2024-08-09. Review status: criteria provided, single submitter. Criteria: Invitae Variant Classification Sherloc (09022015). Collection method: clinical testing. Allele origin: germline.
Comment: This sequence change replaces threonine, which is neutral and polar, with arginine, which is basic and polar, at codon 2504 of the ACAN protein (p.Thr2504Arg). This variant is not present in population databases (gnomAD no frequency). This variant has not been reported in the literature in individuals affected with ACAN-related conditions. An algorithm developed to predict the effect of missense changes on protein structure and function (PolyPhen-2) suggests that this variant is likely to be disruptive. In summary, the available evidence is currently insufficient to determine the role of this variant in disease. Therefore, it has been classified as a Variant of Uncertain Significance.

NM_001369268.1(ACAN):c.7625C>G (p.Thr2542Arg)

Gene: ACAN (aggrecan; plus strand). Cytogenetic location: 15q26.1.
Variant type: single nucleotide variant.
Coding change: c.7625C>G on transcript NM_001369268.1 (MANE Select); coding-DNA position 7625, C replaced by G.
Protein change: p.Thr2542Arg; replaces threonine 2542 with arginine.
Molecular consequence: missense variant. On other transcripts: intron variant (1).
Genome position (GRCh38, 1-based): chr15:88,874,019, C>G. VCF-style: chr15-88874019-C-G. GRCh37 (hg19) VCF-style: chr15-89417250-C-G.
Other names: c.7397C>G, p.Thr2466Arg (NM_001411096.1); c.7511C>G, p.Thr2504Arg (NM_001411097.1, NM_013227.4); c.7220-386C>G (NM_001135.4); short protein forms T2466R, T2504R, T2542R.
Identifiers: ClinVar variation 3609992 (VCV003609992.2).